The following is an entry in ClinVar:

ClinVar aggregate classification (germline): Likely pathogenic (1 of 4 stars; one submission).

Conditions:
Choroideremia. Also called: Chorioretinal scalloped atrophy. Identifiers: Orphanet 180, MedGen C0008525, MONDO:0010557, OMIM 303100, HP:0001139.

Submission:

Myriad Genetics, Inc.
Classification: Likely pathogenic for Choroideremia. Last evaluated: 2022-03-31. Review status: criteria provided, single submitter. Criteria: Myriad Women's Health Autosomal Recessive and X-Linked Classification Criteria (2021). Collection method: clinical testing. Allele origin: unknown.
Comment: NM_000390.2(CHM):c.963T>A(Y321*) is expected to be pathogenic in the context of choroideremia. This variant is predicted to lead to an abnormal or absent protein product due to the creation of a premature termination codon in CHM, a gene where loss-of-function variants are known to be pathogenic. Please note: this variant was assessed in the context of healthy population screening.

NM_000390.4(CHM):c.963T>A (p.Tyr321Ter)

Gene: CHM (CHM Rab escort protein; minus strand). Cytogenetic location: Xq21.2.
Variant type: single nucleotide variant.
Coding change: c.963T>A on transcript NM_000390.4 (MANE Select); coding-DNA position 963, T replaced by A.
Protein change: p.Tyr321Ter; replaces tyrosine 321 with a stop codon.
Molecular consequence: nonsense.
Genome position (GRCh38, 1-based): chrX:85,956,356, A>T on the plus strand (T>A on the coding strand, the complement: CHM is on the minus strand). VCF-style: chrX-85956356-A-T. GRCh37 (hg19) VCF-style: chrX-85211361-A-T.
Other names: c.519T>A, p.Tyr173Ter (NM_001320959.1, NM_001362517.1, NM_001362518.2 and 1 more transcripts); short protein forms Y173*, Y321*.
Identifiers: ClinVar variation 1725728 (VCV001725728.2), dbSNP rs2520253188, ClinGen allele CA413785503.